The following is an entry in ClinVar:

ClinVar aggregate classification (germline): Uncertain significance (1 of 4 stars; one submission).

Submission:

Labcorp Genetics (formerly Invitae), Labcorp
Classification: Uncertain significance. Last evaluated: 2024-08-20. Review status: criteria provided, single submitter. Criteria: Invitae Variant Classification Sherloc (09022015). Collection method: clinical testing. Allele origin: germline.
Comment: This sequence change replaces leucine, which is neutral and non-polar, with serine, which is neutral and polar, at codon 212 of the SOX10 protein (p.Leu212Ser). This variant is not present in population databases (gnomAD no frequency). This variant has not been reported in the literature in individuals affected with SOX10-related conditions. Invitae Evidence Modeling of protein sequence and biophysical properties (such as structural, functional, and spatial information, amino acid conservation, physicochemical variation, residue mobility, and thermodynamic stability) indicates that this missense variant is not expected to disrupt SOX10 protein function with a negative predictive value of 80%. In summary, the available evidence is currently insufficient to determine the role of this variant in disease. Therefore, it has been classified as a Variant of Uncertain Significance.

NM_006941.4(SOX10):c.635T>C (p.Leu212Ser)

Genes: POLR2F (RNA polymerase II, I and III subunit F; plus strand), SOX10 (SRY-box transcription factor 10; minus strand). Cytogenetic location: 22q13.1.
Variant type: single nucleotide variant.
Coding change: c.635T>C on transcript NM_006941.4 (MANE Select); coding-DNA position 635, T replaced by C.
Protein change: p.Leu212Ser; replaces leucine 212 with serine.
Molecular consequence: missense variant. On other transcripts: intron variant (3).
Genome position (GRCh38, 1-based): chr22:37,977,929, A>G on the plus strand (T>C on the coding strand, the complement: SOX10 is on the minus strand). VCF-style: chr22-37977929-A-G. GRCh37 (hg19) VCF-style: chr22-38373936-A-G.
Other names: c.*38+5619A>G (NM_001363825.1); c.294-8225A>G (NM_001301130.2); c.293+10759A>G (NM_001301131.2); short protein forms L212S.
Identifiers: ClinVar variation 3662913 (VCV003662913.2).